The following is an entry in ClinVar:

NM_015425.6(POLR1A):c.2359G>A (p.Ala787Thr)

Gene: POLR1A (RNA polymerase I subunit A; minus strand). Cytogenetic location: 2p11.2.
Variant type: single nucleotide variant.
Coding change: c.2359G>A on transcript NM_015425.6 (MANE Select); coding-DNA position 2359, G replaced by A.
Protein change: p.Ala787Thr; replaces alanine 787 with threonine.
Molecular consequence: missense variant.
Genome position (GRCh38, 1-based): chr2:86,052,850, C>T on the plus strand (G>A on the coding strand, the complement: POLR1A is on the minus strand). VCF-style: chr2-86052850-C-T. GRCh37 (hg19) VCF-style: chr2-86279973-C-T.
Other names: short protein forms A787T.
Identifiers: ClinVar variation 3006278 (VCV003006278.5), dbSNP rs769022078, ClinGen allele CA1746100.

ClinVar aggregate classification (germline): Uncertain significance. Review status: criteria provided, multiple submitters, no conflicts (2 of 4 stars). 2 submissions from 2 submitters: Uncertain significance (2). Last evaluated 2025-02-11.

Conditions:
Leukodystrophy, hypomyelinating, 27 (HLD27). Identifiers: MedGen C5882743, MONDO:0958018, OMIM 620675.
Acrofacial dysostosis Cincinnati type. Identifiers: Orphanet 1200, MedGen C4225317, MONDO:0014651, OMIM 616462.

Allele frequency attached by ClinVar (database versions not stated): ExAC 0.00002; gnomAD 0.00002; TOPMed 0.00003.
gnomAD v4.1: 11 of 1,587,104 alleles (0.00069%); highest among the groups gnomAD compares: African/African-American, 0.0027%; no homozygotes.

Submissions (2):

Labcorp Genetics (formerly Invitae), Labcorp
Classification: Uncertain significance. Last evaluated: 2025-02-11. Review status: criteria provided, single submitter. Criteria: Invitae Variant Classification Sherloc (09022015). Collection method: clinical testing. Allele origin: germline.
Comment: This sequence change replaces alanine, which is neutral and non-polar, with threonine, which is neutral and polar, at codon 787 of the POLR1A protein (p.Ala787Thr). The frequency data for this variant in the population databases is considered unreliable, as metrics indicate poor data quality at this position in the gnomAD database. This variant has not been reported in the literature in individuals affected with POLR1A-related conditions. ClinVar contains an entry for this variant (Variation ID: 3006278). Invitae Evidence Modeling of protein sequence and biophysical properties (such as structural, functional, and spatial information, amino acid conservation, physicochemical variation, residue mobility, and thermodynamic stability) indicates that this missense variant is not expected to disrupt POLR1A protein function with a negative predictive value of 80%. In summary, the available evidence is currently insufficient to determine the role of this variant in disease. Therefore, it has been classified as a Variant of Uncertain Significance.

Juno Genomics, Hangzhou Juno Genomics, Inc
Classification: Uncertain significance for Leukodystrophy, hypomyelinating, 27; Acrofacial dysostosis Cincinnati type. Review status: criteria provided, single submitter. Criteria: ACMG Guidelines, 2015. Collection method: clinical testing. Allele origin: germline.
Comment: Absent from controls (or at extremely low frequency if recessive) in Genome Aggregation Database.